The following is an entry in ClinVar:

NM_017954.11(CADPS2):c.3568C>T (p.Arg1190Ter)

Gene: CADPS2 (calcium dependent secretion activator 2; minus strand). Cytogenetic location: 7q31.32.
Variant type: single nucleotide variant.
Coding change: c.3568C>T on transcript NM_017954.11 (MANE Select); coding-DNA position 3568, C replaced by T.
Protein change: p.Arg1190Ter; replaces arginine 1190 with a stop codon.
Molecular consequence: nonsense.
Genome position (GRCh38, 1-based): chr7:122,345,618, G>A on the plus strand (C>T on the coding strand, the complement: CADPS2 is on the minus strand). VCF-style: chr7-122345618-G-A. GRCh37 (hg19) VCF-style: chr7-121985672-G-A.
Other names: c.3445C>T, p.Arg1149Ter (NM_001009571.4); c.3580C>T, p.Arg1194Ter (NM_001167940.2, NM_001363391.2); c.3604C>T, p.Arg1202Ter (NM_001363389.2); c.3589C>T, p.Arg1197Ter (NM_001363390.2); c.3484C>T, p.Arg1162Ter (NM_001363392.2); c.3469C>T, p.Arg1157Ter (NM_001363393.2); c.3460C>T, p.Arg1154Ter (NM_001363394.2); c.3451C>T, p.Arg1151Ter (NM_001363395.2); and 5 more; short protein forms R1036*, R1144*, R1147*, R1149*, R1150*, R1151*, R1154*, R1157*.
Identifiers: ClinVar variation 4879291 (VCV004879291.1).

ClinVar aggregate classification (germline): Uncertain significance (1 of 4 stars; one submission).

Conditions:
CADPS2-related disorder. Also called: CADPS2-related condition.

gnomAD v4.1: 4 of 1,612,950 alleles (0.00025%); highest among the groups gnomAD compares: African/African-American, 0.0013%; no homozygotes.

Submission:

Clinical Genomics Laboratory, Washington University in St. Louis
Classification: Uncertain significance for CADPS2-related disorder. Last evaluated: 2026-05-02. Review status: criteria provided, single submitter. Criteria: ACMG Guidelines, 2015. Collection method: clinical testing. Allele origin: germline.
Comment: The CADPS2 c.3568C>T (p.Arg1190*) variant, to our knowledge, has not been reported in the medical literature. This variant leads to a premature termination codon, which is predicted to lead to nonsense mediated decay. This variant is only observed in 2/280,030 alleles in the general population (gnomAD v2.1.1), indicating it is not a common variant. Due to limited information, the clinical significance of this variant is uncertain.

Literature cited by the submitters: PubMed 24737869; PubMed 37200906.